The following is an entry in ClinVar:

NM_001377540.1(SLMAP):c.519+6A>C

Gene: SLMAP (sarcolemma associated protein; plus strand). Cytogenetic location: 3p14.3.
Variant type: single nucleotide variant.
Coding change: c.519+6A>C on transcript NM_001377540.1 (MANE Select); 6 bases into the intron after coding-DNA position 519, A replaced by C.
Molecular consequence: intron variant.
Genome position (GRCh38, 1-based): chr3:57,849,822, A>C. VCF-style: chr3-57849822-A-C. GRCh37 (hg19) VCF-style: chr3-57835549-A-C.
Other names: c.519+6A>C (NM_001377538.1, NM_001377539.1, NM_001377555.1 and 17 more transcripts).
Identifiers: ClinVar variation 1035060 (VCV001035060.5), dbSNP rs2094439140, ClinGen allele CA1048364980.

ClinVar aggregate classification (germline): Uncertain significance (1 of 4 stars; one submission).

Conditions:
Brugada syndrome. Also called: Sudden unexplained nocturnal death syndrome; Sudden Unexplained Death Syndrome; Sudden Unexplained Nocturnal Death Syndrome (SUNDS); Sudden unexpected nocturnal death syndrome. Identifiers: Orphanet 130, MedGen C1142166, MONDO:0015263.

Allele frequency attached by ClinVar (database versions not stated): TOPMed below 0.00001; gnomAD 0.00001; gnomAD exomes 0.00001.
gnomAD v4.1: 12 of 1,471,220 alleles (0.00082%); highest among the groups gnomAD compares: Non-Finnish European, 0.001%; no homozygotes.

Submission:

Labcorp Genetics (formerly Invitae), Labcorp
Classification: Uncertain significance for Brugada syndrome. Last evaluated: 2024-08-08. Review status: criteria provided, single submitter. Criteria: Invitae Variant Classification Sherloc (09022015). Collection method: clinical testing. Allele origin: germline.
Comment: This sequence change falls in intron 5 of the SLMAP gene. It does not directly change the encoded amino acid sequence of the SLMAP protein. It affects a nucleotide within the consensus splice site. This variant is not present in population databases (gnomAD no frequency). This variant has not been reported in the literature in individuals affected with SLMAP-related conditions. ClinVar contains an entry for this variant (Variation ID: 1035060). Variants that disrupt the consensus splice site are a relatively common cause of aberrant splicing (PMID: 17576681, 9536098). Algorithms developed to predict the effect of sequence changes on RNA splicing suggest that this variant is not likely to affect RNA splicing. In summary, the available evidence is currently insufficient to determine the role of this variant in disease. Therefore, it has been classified as a Variant of Uncertain Significance.

Literature cited by the submitters: PubMed 17576681; PubMed 9536098.